The following is an entry in ClinVar:

ClinVar aggregate classification (germline): Conflicting classifications of pathogenicity. Review status: criteria provided, conflicting classifications (1 of 4 stars). 2 submissions from 2 submitters: Pathogenic (1); Uncertain significance (1). Last evaluated 2026-03-26.

Conditions:
Muscular dystrophy-dystroglycanopathy (congenital with impaired intellectual development), type B, 1. Also called: Muscular dystrophy-dystroglycanopathy (congenital with intellectual disability), type B1; MUSCULAR DYSTROPHY, CONGENITAL, POMT1-RELATED. Identifiers: MedGen C5436962, MONDO:0013159, OMIM 613155.

Allele frequency attached by ClinVar (database versions not stated): TOPMed below 0.00001; ExAC 0.00001; gnomAD exomes below 0.00001.
gnomAD v4.1: 2 of 1,614,180 alleles (0.00012%); highest among the groups gnomAD compares: South Asian, 0.0011%; no homozygotes.

Submissions (2):

Women's Health and Genetics/Laboratory Corporation of America, LabCorp
Classification: Uncertain significance. Last evaluated: 2026-03-26. Review status: criteria provided, single submitter. Criteria: LabCorp Variant Classification Summary - May 2015. Collection method: clinical testing. Allele origin: germline.
Comment: Variant summary: POMT1 c.1987C>T (p.Leu663Phe) results in a non-conservative amino acid change in the encoded protein sequence. Algorithms developed to predict the effect of missense changes on protein structure and function all suggest that this variant is likely to be disruptive. The variant allele was found at a frequency of 4e-06 in 251398 control chromosomes (gnomAD). c.1987C>T has been observed in individuals affected with clinical features of POMT1-related disorders (Vill_2017, Geis_2019). These data indicate that the variant may be associated with disease. To our knowledge, no experimental evidence demonstrating an impact on protein function has been reported. The following publications have been ascertained in the context of this evaluation (PMID: 31311558, 29172004). ClinVar contains an entry for this variant (Variation ID: 488581). Based on the evidence outlined above, the variant was classified as VUS-possibly pathogenic.

Institute of Human Genetics Munich, TUM University Hospital
Classification: Pathogenic for Muscular dystrophy-dystroglycanopathy (congenital with impaired intellectual development), type B, 1. Last evaluated: 2017-12-13. Review status: criteria provided, single submitter. Criteria: Classification criteria August 2017. Collection method: clinical testing. Allele origin: maternal. Inheritance: Autosomal recessive inheritance. Affected: yes. Observed: 1 compound heterozygote.

Literature cited by the submitters: PubMed 31311558 (cited by Women's Health and Genetics/Laboratory Corporation of America, LabCorp); PubMed 29172004 (cited by Women's Health and Genetics/Laboratory Corporation of America, LabCorp).

NM_001077365.2(POMT1):c.1921C>T (p.Leu641Phe)

Gene: POMT1 (protein O-mannosyltransferase 1; plus strand). Cytogenetic location: 9q34.13.
Variant type: single nucleotide variant.
Coding change: c.1921C>T on transcript NM_001077365.2 (MANE Select); coding-DNA position 1921, C replaced by T.
Protein change: p.Leu641Phe; replaces leucine 641 with phenylalanine.
Molecular consequence: missense variant. On other transcripts: non-coding transcript variant (10).
Genome position (GRCh38, 1-based): chr9:131,522,142, C>T. VCF-style: chr9-131522142-C-T. GRCh37 (hg19) VCF-style: chr9-134397529-C-T.
Other names: c.1759C>T, p.Leu587Phe (NM_001077366.2, NM_001353194.2); c.1921C>T, p.Leu641Phe (NM_001136113.2); c.1570C>T, p.Leu524Phe (NM_001136114.2, NM_001353195.2, NM_001374691.1 and 2 more transcripts); c.1987C>T, p.Leu663Phe (NM_001353193.2, NM_007171.4); c.1831C>T, p.Leu611Phe (NM_001353196.2); c.1825C>T, p.Leu609Phe (NM_001353197.2, NM_001353198.2); c.1636C>T, p.Leu546Phe (NM_001353199.2); c.1465C>T, p.Leu489Phe (NM_001353200.2); and 3 more; short protein forms L663F, L587F, L641F, L524F, L546F, L611F, L489F, L609F.
Identifiers: ClinVar variation 488581 (VCV000488581.4), dbSNP rs777437871, ClinGen allele CA5293879.